The following is an entry in ClinVar:

NM_004360.5(CDH1):c.1780A>T (p.Ile594Leu)

Gene: CDH1 (cadherin 1; plus strand). Cytogenetic location: 16q22.1.
Variant type: single nucleotide variant.
Coding change: c.1780A>T on transcript NM_004360.5 (MANE Select); coding-DNA position 1780, A replaced by T.
Protein change: p.Ile594Leu; replaces isoleucine 594 with leucine.
Molecular consequence: missense variant. On other transcripts: 5 prime UTR variant (1).
Genome position (GRCh38, 1-based): chr16:68,822,069, A>T. VCF-style: chr16-68822069-A-T. GRCh37 (hg19) VCF-style: chr16-68855972-A-T.
Other names: c.1780A>T (LRG_301t1); c.1597A>T, p.Ile533Leu (NM_001317184.2); c.232A>T, p.Ile78Leu (NM_001317185.2); c.-186A>T (NM_001317186.2); short protein forms I594L, I78L, I533L.
Identifiers: ClinVar variation 483258 (VCV000483258.23), dbSNP rs1206609823, ClinGen allele CA396466605.
Genomic context (GRCh38, chr16:68,822,069, plus strand): 5'-GTTGCTACTGGAACAGGGACACTTCTGCTGATCCTGTCTGATGTGAATGACAACGCCCCC[A>T]TACCAGAACCTCGAACTATATTCTTCTGTGAGAGGAATCCAAAGCCTCAGGTCATAAACA-3'
Protein context (NP_004351.1, residues 584-604): ILSDVNDNAP[Ile594Leu]PEPRTIFFCE

ClinVar aggregate classification (germline): Conflicting classifications of pathogenicity. Review status: criteria provided, conflicting classifications (1 of 4 stars). 4 submissions from 4 submitters: Uncertain significance (3); Likely benign (1). Last evaluated 2026-06-17.

Conditions:
Hereditary cancer-predisposing syndrome. Also called: Neoplastic Syndromes, Hereditary; Hereditary neoplastic syndrome; Hereditary Cancer Syndrome; Tumor predisposition. Identifiers: Orphanet 140162, MedGen C0027672, MeSH D009386, MONDO:0015356.
Hereditary diffuse gastric adenocarcinoma (HDGC). Also called: DIFFUSE GASTRIC AND LOBULAR BREAST CANCER SYNDROME. Identifiers: Orphanet 26106, MedGen C1708349, MONDO:0007648, OMIM 137215.

Allele frequency attached by ClinVar (database versions not stated): TOPMed below 0.00001.

Submissions (4):

Ambry Genetics
Classification: Likely benign for Hereditary cancer-predisposing syndrome. Last evaluated: 2026-06-17. Review status: criteria provided, single submitter. Criteria: Ambry Variant Classification Scheme 2023. Collection method: clinical testing. Allele origin: germline.

Quest Diagnostics Nichols Institute San Juan Capistrano
Classification: Uncertain significance. Last evaluated: 2025-06-24. Review status: criteria provided, single submitter. Criteria: Quest Diagnostics criteria. Collection method: clinical testing. Allele origin: unknown.
Comment: The CDH1 c.1780A>T (p.Ile594Leu) variant has not been reported in individuals with CDH1-related conditions in the published literature. It also has not been reported in large, multi-ethnic general populations (Genome Aggregation Database). Analysis of this variant using a bioinformatics tool (i.e., MutationTaster) for the prediction of the effect of amino acid changes on protein structure and function yielded benign findings. Based on the available information, we are unable to determine the clinical significance of this variant.

Labcorp Genetics (formerly Invitae), Labcorp
Classification: Uncertain significance for Hereditary diffuse gastric adenocarcinoma. Last evaluated: 2025-03-31. Review status: criteria provided, single submitter. Criteria: Invitae Variant Classification Sherloc (09022015). Collection method: clinical testing. Allele origin: germline.
Comment: This sequence change replaces isoleucine, which is neutral and non-polar, with leucine, which is neutral and non-polar, at codon 594 of the CDH1 protein (p.Ile594Leu). This variant is not present in population databases (gnomAD no frequency). This variant has not been reported in the literature in individuals affected with CDH1-related conditions. ClinVar contains an entry for this variant (Variation ID: 483258). An algorithm developed to predict the effect of missense changes on protein structure and function (PolyPhen-2) suggests that this variant is likely to be tolerated. In summary, the available evidence is currently insufficient to determine the role of this variant in disease. Therefore, it has been classified as a Variant of Uncertain Significance.

Color Diagnostics, LLC DBA Color Health
Classification: Uncertain significance for Hereditary cancer-predisposing syndrome. Last evaluated: 2023-12-05. Review status: criteria provided, single submitter. Criteria: ACMG Guidelines, 2015. Collection method: clinical testing. Allele origin: germline.
Comment: This missense variant replaces isoleucine with leucine at codon 594 of the CDH1 protein. Computational prediction tools and conservation analyses suggest that this variant may not impact the protein function. Computational splicing tools suggest that this variant may not impact RNA splicing. To our knowledge, functional assays have not been performed for this variant nor has this variant been reported in individuals affected with hereditary cancer in the literature. This variant has not been identified in the general population by the Genome Aggregation Database (gnomAD). Available evidence is insufficient to determine the role of this variant in disease conclusively. Therefore, this variant is classified as a Variant of Uncertain Significance.